The following is an entry in ClinVar:

NM_001130009.3(GEN1):c.2125dup (p.Ala709fs)

Gene: GEN1 (GEN1 structure-specific endonuclease; plus strand). Cytogenetic location: 2p24.2.
Variant type: Duplication.
Coding change: c.2125dup on transcript NM_001130009.3 (MANE Select); coding-DNA position 2125, one base duplicated (G; older notation c.2125dupG).
Protein change: p.Ala709fs; shifts the reading frame from alanine 709.
Molecular consequence: frameshift variant.
Genome position (GRCh38, 1-based): chr2:17,781,337, G duplicated. VCF-style (leftmost placement, unchanged base first): chr2-17781336-T-TG. GRCh37 (hg19) VCF-style: chr2-17962603-T-TG.
Other names: c.2125dup, p.Ala709fs (NM_182625.5); short protein forms A709fs.
Identifiers: ClinVar variation 1366299 (VCV001366299.6), dbSNP rs2125179834, ClinGen allele CA2573133133.

ClinVar aggregate classification (germline): Uncertain significance (1 of 4 stars; one submission).

Submission:

Labcorp Genetics (formerly Invitae), Labcorp
Classification: Uncertain significance. Last evaluated: 2025-06-23. Review status: criteria provided, single submitter. Criteria: Invitae Variant Classification Sherloc (09022015). Collection method: clinical testing. Allele origin: germline.
Comment: This sequence change creates a premature translational stop signal (p.Ala709Glyfs*2) in the GEN1 gene. While this is not anticipated to result in nonsense mediated decay, it is expected to disrupt the last 200 amino acid(s) of the GEN1 protein. This variant is not present in population databases (gnomAD no frequency). This variant has not been reported in the literature in individuals affected with GEN1-related conditions. ClinVar contains an entry for this variant (Variation ID: 1366299). Experimental studies and prediction algorithms are not available or were not evaluated, and the functional significance of this variant is currently unknown. In summary, the available evidence is currently insufficient to determine the role of this variant in disease. Therefore, it has been classified as a Variant of Uncertain Significance.